The following is an entry in ClinVar:

NM_005732.4(RAD50):c.1039C>T (p.Leu347Phe)

Gene: RAD50 (RAD50 double strand break repair protein; plus strand). Cytogenetic location: 5q31.1.
Variant type: single nucleotide variant.
Coding change: c.1039C>T on transcript NM_005732.4 (MANE Select); coding-DNA position 1039, C replaced by T.
Protein change: p.Leu347Phe; replaces leucine 347 with phenylalanine.
Molecular consequence: missense variant.
Genome position (GRCh38, 1-based): chr5:132,588,077, C>T. VCF-style: chr5-132588077-C-T. GRCh37 (hg19) VCF-style: chr5-131923769-C-T.
Other names: short protein forms L347F.
Identifiers: ClinVar variation 230844 (VCV000230844.18), dbSNP rs876658805, ClinGen allele CA10578510.

ClinVar aggregate classification (germline): Uncertain significance. Review status: criteria provided, multiple submitters, no conflicts (2 of 4 stars). 3 submissions from 3 submitters: Uncertain significance (3). Last evaluated 2024-08-19.

Conditions:
Nijmegen breakage syndrome-like disorder (NBSLD). Also called: MICROCEPHALY AND SPONTANEOUS CHROMOSOME INSTABILITY WITHOUT IMMUNODEFICIENCY; NBS-LIKE DISORDER; RAD50 DEFICIENCY. Identifiers: Orphanet 240760, MedGen C2751318, MONDO:0013118, OMIM 613078.
Hereditary cancer-predisposing syndrome. Also called: Neoplastic Syndromes, Hereditary; Tumor predisposition; Hereditary Cancer Syndrome; Hereditary neoplastic syndrome. Identifiers: Orphanet 140162, MedGen C0027672, MeSH D009386, MONDO:0015356.

Allele frequency attached by ClinVar (database versions not stated): gnomAD exomes below 0.00001.
gnomAD v4.1: 3 of 1,611,942 alleles (0.00019%); highest among the groups gnomAD compares: Non-Finnish European, 0.00025%; no homozygotes.

Submissions (3):

Ambry Genetics
Classification: Uncertain significance for Hereditary cancer-predisposing syndrome. Last evaluated: 2024-08-19. Review status: criteria provided, single submitter. Criteria: Ambry Variant Classification Scheme 2023. Collection method: clinical testing. Allele origin: germline.
Comment: The p.L347F variant (also known as c.1039C>T), located in coding exon 7 of the RAD50 gene, results from a C to T substitution at nucleotide position 1039. The leucine at codon 347 is replaced by phenylalanine, an amino acid with highly similar properties. This amino acid position is highly conserved in available vertebrate species. In addition, this alteration is predicted to be tolerated by in silico analysis. Based on the available evidence, the clinical significance of this variant remains unclear.

Fulgent Genetics
Classification: Uncertain significance for Nijmegen breakage syndrome-like disorder. Last evaluated: 2024-06-07. Review status: criteria provided, single submitter. Criteria: ACMG Guidelines, 2015. Collection method: clinical testing. Allele origin: germline.

Labcorp Genetics (formerly Invitae), Labcorp
Classification: Uncertain significance for Hereditary cancer-predisposing syndrome. Last evaluated: 2024-04-22. Review status: criteria provided, single submitter. Criteria: Invitae Variant Classification Sherloc (09022015). Collection method: clinical testing. Allele origin: germline.
Comment: This sequence change replaces leucine, which is neutral and non-polar, with phenylalanine, which is neutral and non-polar, at codon 347 of the RAD50 protein (p.Leu347Phe). This variant is present in population databases (no rsID available, gnomAD 0.0009%). This variant has not been reported in the literature in individuals affected with RAD50-related conditions. ClinVar contains an entry for this variant (Variation ID: 230844). Advanced modeling of protein sequence and biophysical properties (such as structural, functional, and spatial information, amino acid conservation, physicochemical variation, residue mobility, and thermodynamic stability) performed at Invitae indicates that this missense variant is expected to disrupt RAD50 protein function with a positive predictive value of 80%. In summary, the available evidence is currently insufficient to determine the role of this variant in disease. Therefore, it has been classified as a Variant of Uncertain Significance.